The following is an entry in ClinVar:

NM_000308.4(CTSA):c.33GCT[11] (p.Leu17_Leu19dup)

Gene: CTSA (cathepsin A; plus strand). Cytogenetic location: 20q13.12.
Variant type: Microsatellite.
Coding change: c.33GCT[11] on transcript NM_000308.4 (MANE Select); 11 copies in a row of the 3-base unit GCT starting at c.33; the reference has eight copies in a row; three copies, 9 bases duplicated.
Protein change: p.Leu17_Leu19dup.
Molecular consequence: inframe insertion. On other transcripts: non-coding transcript variant (1).
Genome position (GRCh38, 1-based): chr20:45,891,616-45,891,624, GCTGCTGCT duplicated; duplicating any 9 consecutive bases within chr20:45,891,599-45,891,624 gives the same sequence; the position shown is the placement nearest the transcript's 3' end. VCF-style (leftmost placement, unchanged base first): chr20-45891598-C-CCTGCTGCTG. GRCh37 (hg19) VCF-style: chr20-44520237-C-CCTGCTGCTG.
Other names: c.33GCT[11], p.Leu17_Leu19dup (NM_001127695.3, NM_001167594.3).
Identifiers: ClinVar variation 1376309 (VCV001376309.7), dbSNP rs72555383, ClinGen allele CA315658783.
Genomic context (GRCh38, chr20:45,891,598, plus strand): 5'-GAGTCAACAGCCCCTCTGCTGCCTCCCGTAGATGATCCGAGCCGCGCCGCCGCCGCTGTT[C>CCTGCTGCTG]CTGCTGCTGCTGCTGCTGCTGCTGCTAGTGTCCTGGGCGTCCCGAGGCGAGGCAGCCCCC-3'

ClinVar aggregate classification (germline): Uncertain significance (1 of 4 stars; one submission).

Conditions:
Combined deficiency of sialidase AND beta galactosidase (GSL). Also called: PROTECTIVE PROTEIN/CATHEPSIN A DEFICIENCY; GOLDBERG SYNDROME; NEURAMINIDASE DEFICIENCY WITH BETA-GALACTOSIDASE DEFICIENCY; NEURAMINIDASE/BETA-GALACTOSIDASE EXPRESSION; Galactosialidosis; CATHEPSIN A DEFICIENCY. Identifiers: Orphanet 351, MedGen C0268233, MONDO:0009737, OMIM 256540.

Submission:

Labcorp Genetics (formerly Invitae), Labcorp
Classification: Uncertain significance for Combined deficiency of sialidase AND beta galactosidase. Last evaluated: 2024-09-09. Review status: criteria provided, single submitter. Criteria: Invitae Variant Classification Sherloc (09022015). Collection method: clinical testing. Allele origin: germline.
Comment: This variant, c.102_110dup, results in the insertion of 3 amino acid(s) of the CTSA protein (p.Leu35_Leu37dup), but otherwise preserves the integrity of the reading frame. The frequency data for this variant in the population databases is considered unreliable, as metrics indicate poor data quality at this position in the gnomAD database. This variant has not been reported in the literature in individuals affected with CTSA-related conditions. Experimental studies and prediction algorithms are not available or were not evaluated, and the functional significance of this variant is currently unknown. In summary, the available evidence is currently insufficient to determine the role of this variant in disease. Therefore, it has been classified as a Variant of Uncertain Significance.